The following is an entry in ClinVar:

NM_000222.3(KIT):c.2269A>G (p.Met757Val)

Gene: KIT (KIT proto-oncogene, receptor tyrosine kinase; plus strand). Cytogenetic location: 4q12.
Variant type: single nucleotide variant.
Coding change: c.2269A>G on transcript NM_000222.3 (MANE Select); coding-DNA position 2269, A replaced by G.
Protein change: p.Met757Val; replaces methionine 757 with valine.
Molecular consequence: missense variant.
Genome position (GRCh38, 1-based): chr4:54,731,906, A>G. VCF-style: chr4-54731906-A-G. GRCh37 (hg19) VCF-style: chr4-55598072-A-G.
Other names: c.2266A>G, p.Met756Val (NM_001385285.1); c.2254A>G, p.Met752Val (NM_001385286.1); c.2260A>G, p.Met754Val (NM_001385288.1); c.2269A>G, p.Met757Val (NM_001385290.1); c.2257A>G, p.Met753Val (NM_001385292.1, NM_001093772.2); c.2269A>G (NM_000222.2); c.2272A>G, p.Met758Val (NM_001385284.1); short protein forms M754V, M756V, M753V, M758V, M752V, M757V.
Identifiers: ClinVar variation 1420633 (VCV001420633.9), dbSNP rs1722622985, ClinGen allele CA356910885.
Genomic context (GRCh38, chr4:54,731,906, plus strand): 5'-AAGAAAAATCCTCTCTTCCTCACAGGCTCATACATAGAAAGAGATGTGACTCCCGCCATC[A>G]TGGAGGATGACGAGTTGGCCCTAGACTTAGAAGACTTGCTGAGCTTTTCTTACCAGGTGG-3'
Protein context (NP_000213.1, residues 747-767): YIERDVTPAI[Met757Val]EDDELALDLE

ClinVar aggregate classification (germline): Uncertain significance. Review status: criteria provided, multiple submitters, no conflicts (2 of 4 stars). 2 submissions from 2 submitters: Uncertain significance (2). Last evaluated 2026-02-27.

Conditions:
Hereditary cancer-predisposing syndrome. Also called: Tumor predisposition; Hereditary Cancer Syndrome; Hereditary neoplastic syndrome; Neoplastic Syndromes, Hereditary. Identifiers: Orphanet 140162, MedGen C0027672, MeSH D009386, MONDO:0015356.
Gastrointestinal stromal tumor. Also called: Gastrointestinal stroma tumor; Gastrointestinal stromal tumor, somatic. Identifiers: Orphanet 44890, MedGen C0238198, MeSH D046152, MONDO:0011719, OMIM 606764, HP:0100723.

Submissions (2):

Ambry Genetics
Classification: Uncertain significance for Hereditary cancer-predisposing syndrome. Last evaluated: 2026-02-27. Review status: criteria provided, single submitter. Criteria: Ambry Variant Classification Scheme 2023. Collection method: clinical testing. Allele origin: germline.
Comment: The p.M757V variant (also known as c.2269A>G), located in coding exon 16 of the KIT gene, results from an A to G substitution at nucleotide position 2269. The methionine at codon 757 is replaced by valine, an amino acid with highly similar properties. This amino acid position is not well conserved in available vertebrate species. In addition, this alteration is predicted to be tolerated by in silico analysis. Based on the available evidence, the clinical significance of this variant remains unclear.

Labcorp Genetics (formerly Invitae), Labcorp
Classification: Uncertain significance for Gastrointestinal stromal tumor. Last evaluated: 2022-12-15. Review status: criteria provided, single submitter. Criteria: Invitae Variant Classification Sherloc (09022015). Collection method: clinical testing. Allele origin: germline.
Comment: In summary, the available evidence is currently insufficient to determine the role of this variant in disease. Therefore, it has been classified as a Variant of Uncertain Significance. Algorithms developed to predict the effect of missense changes on protein structure and function (SIFT, PolyPhen-2, Align-GVGD) all suggest that this variant is likely to be tolerated. ClinVar contains an entry for this variant (Variation ID: 1420633). This missense change has been observed in individual(s) with bone marrow failure (PMID: 29146883). This variant is not present in population databases (gnomAD no frequency). This sequence change replaces methionine, which is neutral and non-polar, with valine, which is neutral and non-polar, at codon 757 of the KIT protein (p.Met757Val).

Literature cited by the submitters: PubMed 29146883 (cited by Labcorp Genetics (formerly Invitae), Labcorp).